The following is an entry in ClinVar:

ClinVar aggregate classification (germline): Uncertain significance. Review status: criteria provided, multiple submitters, no conflicts (2 of 4 stars). 2 submissions from 2 submitters: Uncertain significance (2). Last evaluated 2017-11-11.

Conditions:
Bethlem myopathy 1A. Also called: MYOPATHY, BENIGN CONGENITAL, WITH CONTRACTURES; Bethlem myopathy 1; Bethlem Muscular Dystrophy. Identifiers: Orphanet 610, MedGen CN029274, MONDO:0024530, OMIM 158810.

Allele frequency attached by ClinVar (database versions not stated): TOPMed below 0.00001.

Submissions (2):

Labcorp Genetics (formerly Invitae), Labcorp
Classification: Uncertain significance for Bethlem myopathy 1A. Last evaluated: 2017-11-11. Review status: criteria provided, single submitter. Criteria: Invitae Variant Classification Sherloc (09022015). Collection method: clinical testing. Allele origin: germline.
Comment: In summary, the available evidence is currently insufficient to determine the role of this variant in disease. Therefore, it has been classified as a Variant of Uncertain Significance. Algorithms developed to predict the effect of missense changes on protein structure and function output the following: SIFT: "Tolerated"; PolyPhen-2: "Benign"; Align-GVGD: "Class C0". The leucine amino acid residue is found in multiple mammalian species, suggesting that this missense change does not adversely affect protein function. These predictions have not been confirmed by published functional studies and their clinical significance is uncertain. This variant has not been reported in the literature in individuals with COL6A3-related disease. This variant is not present in population databases (ExAC no frequency). This sequence change replaces phenylalanine with leucine at codon 580 of the COL6A3 protein (p.Phe580Leu). The phenylalanine residue is moderately conserved and there is a small physicochemical difference between phenylalanine and leucine.

Eurofins Ntd Llc (ga)
Classification: Uncertain significance. Last evaluated: 2017-02-27. Review status: criteria provided, single submitter. Criteria: EGL Classification Definitions 2015. Collection method: clinical testing. Allele origin: germline. Observed: 1 variant allele, 1 heterozygote.

NM_004369.4(COL6A3):c.1740T>G (p.Phe580Leu)

Gene: COL6A3 (collagen type VI alpha 3 chain; minus strand). Cytogenetic location: 2q37.3.
Variant type: single nucleotide variant.
Coding change: c.1740T>G on transcript NM_004369.4 (MANE Select); coding-DNA position 1740, T replaced by G.
Protein change: p.Phe580Leu; replaces phenylalanine 580 with leucine.
Molecular consequence: missense variant.
Genome position (GRCh38, 1-based): chr2:237,381,072, A>C on the plus strand (T>G on the coding strand, the complement: COL6A3 is on the minus strand). VCF-style: chr2-237381072-A-C. GRCh37 (hg19) VCF-style: chr2-238289715-A-C.
Other names: c.519T>G, p.Phe173Leu (NM_057164.5, NM_057166.5); c.1122T>G, p.Phe374Leu (NM_057165.5, NM_057167.4); short protein forms F580L, F374L, F173L.
Identifiers: ClinVar variation 500539 (VCV000500539.12), dbSNP rs1553562483, ClinGen allele CA351217120.